The following is an entry in ClinVar:

ClinVar aggregate classification (germline): Uncertain significance (1 of 4 stars; one submission).

gnomAD v4.1: 32 of 1,614,014 alleles (0.002%); highest among the groups gnomAD compares: Non-Finnish European, 0.0027%; no homozygotes.

Submission:

Labcorp Genetics (formerly Invitae), Labcorp
Classification: Uncertain significance. Last evaluated: 2025-09-08. Review status: criteria provided, single submitter. Criteria: Invitae Variant Classification Sherloc (09022015). Collection method: clinical testing. Allele origin: germline.
Comment: This sequence change replaces isoleucine, which is neutral and non-polar, with phenylalanine, which is neutral and non-polar, at codon 1534 of the MYH3 protein (p.Ile1534Phe). This variant is present in population databases (no rsID available, gnomAD 0.0009%). This variant has not been reported in the literature in individuals affected with MYH3-related conditions. Invitae Evidence Modeling of protein sequence and biophysical properties (such as structural, functional, and spatial information, amino acid conservation, physicochemical variation, residue mobility, and thermodynamic stability) indicates that this missense variant is not expected to disrupt MYH3 protein function with a negative predictive value of 95%. In summary, the available evidence is currently insufficient to determine the role of this variant in disease. Therefore, it has been classified as a Variant of Uncertain Significance.

NM_002470.4(MYH3):c.4600A>T (p.Ile1534Phe)

Gene: MYH3 (myosin heavy chain 3; minus strand). Cytogenetic location: 17p13.1.
Variant type: single nucleotide variant.
Coding change: c.4600A>T on transcript NM_002470.4 (MANE Select); coding-DNA position 4600, A replaced by T.
Protein change: p.Ile1534Phe; replaces isoleucine 1534 with phenylalanine.
Molecular consequence: missense variant.
Genome position (GRCh38, 1-based): chr17:10,633,638, T>A on the plus strand (A>T on the coding strand, the complement: MYH3 is on the minus strand). VCF-style: chr17-10633638-T-A. GRCh37 (hg19) VCF-style: chr17-10536955-T-A.
Other names: short protein forms I1534F.
Identifiers: ClinVar variation 4800668 (VCV004800668.1).
Genomic context (GRCh38, chr17:10,633,638, plus strand): 5'-TCCCAGCACTCACCTCTGCTTCCTCGAGAGCCAGCTGGATATCAGCCTTTTCCAGCTCAA[T>A]CTGCTTTCTTGATTTCTCCAGTTCATGGATGGTTTTGCCATTTTCAGCAATTTGTTCTGT-3'
Protein context (NP_002461.2, residues 1524-1544): IHELEKSRKQ[Ile1534Phe]ELEKADIQLA